The following is an entry in ClinVar:

NM_153240.5(NPHP3):c.2884-8C>T

Genes: NPHP3 (nephrocystin 3; minus strand), NPHP3-ACAD11 (NPHP3-ACAD11 readthrough (NMD candidate); minus strand). Cytogenetic location: 3q22.1.
Variant type: single nucleotide variant.
Coding change: c.2884-8C>T on transcript NM_153240.5 (MANE Select); 8 bases into the intron before coding-DNA position 2884, C replaced by T.
Molecular consequence: intron variant.
Genome position (GRCh38, 1-based): chr3:132,688,899, G>A on the plus strand (C>T on the coding strand, the complement: NPHP3 is on the minus strand). VCF-style: chr3-132688899-G-A. GRCh37 (hg19) VCF-style: chr3-132407743-G-A.
Other names: c.2884-8C>T (NM_153240.4).
Identifiers: ClinVar variation 1088035 (VCV001088035.12), dbSNP rs757300023, ClinGen allele CA2621889.

ClinVar aggregate classification (germline): Likely benign. Review status: criteria provided, multiple submitters, no conflicts (2 of 4 stars). 4 submissions from 4 submitters: Likely benign (3). 1 of the submissions does not count toward it. Last evaluated 2026-01-24.

Conditions:
Nephronophthisis. Also called: Juvenile Nephronophthisis. Identifiers: Orphanet 655, MedGen C0687120, MONDO:0019005, HP:0000090.
NPHP3-related disorder. Also called: NPHP3-related condition; NPHP3-related disorders. Identifiers: MedGen CN379163.
Nephronophthisis 3 (NPHP3). Also called: Adolescent nephronophthisis. Identifiers: Orphanet 655, MedGen C1858392, MONDO:0011456, OMIM 604387.
Renal-hepatic-pancreatic dysplasia 1 (RHPD1). Identifiers: MedGen C3715199, MONDO:0008833, OMIM 208540.
NPHP3-related Meckel-like syndrome. Also called: GOLDSTON SYNDROME; Meckel syndrome type 7. Identifiers: Orphanet 3032, MedGen C2673885, MONDO:0009966, OMIM 267010.

Allele frequency attached by ClinVar (database versions not stated): gnomAD 0.00001 and 0.00003; TOPMed 0.00002.
gnomAD v4.1: 40 of 1,614,084 alleles (0.0025%); highest among the groups gnomAD compares: East Asian, 0.067%; no homozygotes.

Submissions (4):

Labcorp Genetics (formerly Invitae), Labcorp
Classification: Likely benign for Nephronophthisis. Last evaluated: 2026-01-24. Review status: criteria provided, single submitter. Criteria: Invitae Variant Classification Sherloc (09022015). Collection method: clinical testing. Allele origin: germline.

Fulgent Genetics
Classification: Likely benign for Renal-hepatic-pancreatic dysplasia 1; NPHP3-related Meckel-like syndrome; Nephronophthisis 3. Last evaluated: 2021-12-04. Review status: criteria provided, single submitter. Criteria: ACMG Guidelines, 2015. Collection method: clinical testing. Allele origin: unknown.

Blueprint Genetics
Classification: Likely benign. Last evaluated: 2021-07-05. Review status: criteria provided, single submitter. Criteria: ACMG Guidelines, 2015. Collection method: clinical testing. Allele origin: germline.

PreventionGenetics, part of Exact Sciences
Classification: Likely benign for NPHP3-related condition. Last evaluated: 2024-09-24. Review status: no assertion criteria provided. Collection method: clinical testing. Allele origin: germline. Not counted in ClinVar's aggregate classification.
Comment: This variant is classified as likely benign based on ACMG/AMP sequence variant interpretation guidelines (Richards et al. 2015 PMID: 25741868, with internal and published modifications).